The following is an entry in ClinVar:

NM_003896.4(ST3GAL5):c.43C>A (p.Gln15Lys)

Genes: ST3GAL5 (ST3 beta-galactoside alpha-2,3-sialyltransferase 5; minus strand), LOC129934236 (ATAC-STARR-seq lymphoblastoid silent region 11709; plus strand). Cytogenetic location: 2p11.2.
Variant type: single nucleotide variant.
Coding change: c.43C>A on transcript NM_003896.4 (MANE Select); coding-DNA position 43, C replaced by A.
Protein change: p.Gln15Lys; replaces glutamine 15 with lysine.
Molecular consequence: missense variant. On other transcripts: 5 prime UTR variant (6).
Genome position (GRCh38, 1-based): chr2:85,888,863, G>T on the plus strand (C>A on the coding strand, the complement: ST3GAL5 is on the minus strand). VCF-style: chr2-85888863-G-T. GRCh37 (hg19) VCF-style: chr2-86115986-G-T.
Other names: c.-920C>A (NM_001354223.2); c.-582C>A (NM_001354224.2); c.-519C>A (NM_001354226.2); c.-229C>A (NM_001354227.2); c.-173C>A (NM_001354229.2); c.-959C>A (NM_001354233.2); c.43C>A, p.Gln15Lys (NM_001363847.1); short protein forms Q15K.
Identifiers: ClinVar variation 2059150 (VCV002059150.1), dbSNP rs2467352462, ClinGen allele CA347536134.

ClinVar aggregate classification (germline): Uncertain significance (1 of 4 stars; one submission).

Conditions:
GM3 synthase deficiency (SPDRS). Also called: SALT AND PEPPER MENTAL RETARDATION SYNDROME; AMISH INFANTILE EPILEPSY SYNDROME; SALT AND PEPPER DEVELOPMENTAL REGRESSION SYNDROME. Identifiers: Orphanet 171714, Orphanet 370933, MedGen C1836824, MONDO:0018274, OMIM 609056.

gnomAD v4.1: 3 of 1,359,538 alleles (0.00022%); highest among the groups gnomAD compares: Non-Finnish European, 0.00029%; no homozygotes.

Submission:

Labcorp Genetics (formerly Invitae), Labcorp
Classification: Uncertain significance for GM3 synthase deficiency. Last evaluated: 2021-12-27. Review status: criteria provided, single submitter. Criteria: Invitae Variant Classification Sherloc (09022015). Collection method: clinical testing. Allele origin: germline.
Comment: This sequence change replaces glutamine, which is neutral and polar, with lysine, which is basic and polar, at codon 15 of the ST3GAL5 protein (p.Gln15Lys). This variant is not present in population databases (gnomAD no frequency). This variant has not been reported in the literature in individuals affected with ST3GAL5-related conditions. Algorithms developed to predict the effect of missense changes on protein structure and function output the following: SIFT: "Tolerated"; PolyPhen-2: "Benign"; Align-GVGD: "Class C0". The lysine amino acid residue is found in multiple mammalian species, which suggests that this missense change does not adversely affect protein function. In summary, the available evidence is currently insufficient to determine the role of this variant in disease. Therefore, it has been classified as a Variant of Uncertain Significance.